The following is an entry in ClinVar:

NM_004174.4(SLC9A3):c.932+1G>A

Gene: SLC9A3 (solute carrier family 9 member A3). Cytogenetic location: 5p15.33.
Variant type: single nucleotide variant.
Coding change: c.932+1G>A on transcript NM_004174.4 (MANE Select); the canonical splice donor site of the intron after coding-DNA position 932, G replaced by A.
Molecular consequence: splice donor variant.
Genome position (GRCh38, 1-based): chr5:484,519, C>T on the plus strand (G>A on the coding strand, the complement: SLC9A3 is on the minus strand). VCF-style: chr5-484519-C-T. GRCh37 (hg19) VCF-style: chr5-484634-C-T.
Other names: c.932+1G>A (NM_001284351.3).
Identifiers: ClinVar variation 592108 (VCV000592108.4), dbSNP rs144524702, ClinGen allele CA3176148.
Genomic context (GRCh38, chr5:484,519, plus strand): 5'-AGGGTGTGGAGAAGCTCGGGAGGAGGGCGTGGAGAAGCTCGCGTGTGTGGGAGGGACTCA[C>T]GCGAGGATGGCCGACAGCGACAGCATCTCGGACGTCAGGTAGGACAGGTAGGAGATGATG-3'

ClinVar aggregate classification (germline): Pathogenic/Likely pathogenic. Review status: criteria provided, multiple submitters, no conflicts (2 of 4 stars). 3 submissions from 3 submitters: Pathogenic (1); Likely pathogenic (1). 1 of the submissions does not count toward it. Last evaluated 2025-09-22.

Conditions:
Congenital secretory sodium diarrhea 8. Identifiers: Orphanet 103908, MedGen C5441928, MONDO:0014808, OMIM 616868.

Allele frequency attached by ClinVar (database versions not stated): ExAC 0.00002; ESP Exome Variant Server 0.00008; TOPMed 0.00002; gnomAD 0.00002; gnomAD exomes 0.00001.
gnomAD v4.1: 15 of 1,612,812 alleles (0.00093%); highest among the groups gnomAD compares: African/African-American, 0.0013%; no homozygotes.

Submissions (3):

Labcorp Genetics (formerly Invitae), Labcorp
Classification: Likely pathogenic. Last evaluated: 2025-09-22. Review status: criteria provided, single submitter. Criteria: Invitae Variant Classification Sherloc (09022015). Collection method: clinical testing. Allele origin: germline.
Comment: This sequence change affects a donor splice site in intron 5 of the SLC9A3 gene. It is expected to disrupt RNA splicing. Variants that disrupt the donor or acceptor splice site typically lead to a loss of protein function (PMID: 16199547), and loss-of-function variants in SLC9A3 are known to be pathogenic (PMID: 26358773). This variant is present in population databases (rs144524702, gnomAD 0.002%). This variant has not been reported in the literature in individuals affected with SLC9A3-related conditions. ClinVar contains an entry for this variant (Variation ID: 592108). Algorithms developed to predict the effect of sequence changes on RNA splicing suggest that this variant may disrupt the consensus splice site. In summary, the currently available evidence indicates that the variant is pathogenic, but additional data are needed to prove that conclusively. Therefore, this variant has been classified as Likely Pathogenic.

Aleixo Muise Laboratory, Hospital For Sick Children
Classification: Pathogenic for Congenital secretory sodium diarrhea 8. Last evaluated: 2024-07-05. Review status: criteria provided, single submitter. Criteria: ACMG Guidelines, 2015. Collection method: research. Allele origin: inherited. Affected: yes. Observed: 1 variant allele.
Comment: PVS1;PS1;PM2;PM3;PP3;PP4

Biochemical Molecular Genetic Laboratory, King Abdulaziz Medical City
Classification: Likely pathogenic for Congenital secretory sodium diarrhea 8. Last evaluated: 2018-05-28. Review status: no assertion criteria provided. Collection method: clinical testing. Allele origin: germline. Affected: yes. Not counted in ClinVar's aggregate classification.

Literature cited by the submitters: PubMed 16199547 (cited by Labcorp Genetics (formerly Invitae), Labcorp); PubMed 26358773 (cited by Labcorp Genetics (formerly Invitae), Labcorp).